The following is an entry in ClinVar:

NM_020919.4(ALS2):c.4861G>A (p.Val1621Ile)

Gene: ALS2 (alsin Rho guanine nucleotide exchange factor ALS2; minus strand). Cytogenetic location: 2q33.1.
Variant type: single nucleotide variant.
Coding change: c.4861G>A on transcript NM_020919.4 (MANE Select); coding-DNA position 4861, G replaced by A.
Protein change: p.Val1621Ile; replaces valine 1621 with isoleucine.
Molecular consequence: missense variant.
Genome position (GRCh38, 1-based): chr2:201,704,196, C>T on the plus strand (G>A on the coding strand, the complement: ALS2 is on the minus strand). VCF-style: chr2-201704196-C-T. GRCh37 (hg19) VCF-style: chr2-202568919-C-T.
Other names: p.Val1621Ile; short protein forms V1621I.
Identifiers: ClinVar variation 1051215 (VCV001051215.11), dbSNP rs767012535, ClinGen allele CA2057462.

ClinVar aggregate classification (germline): Conflicting classifications of pathogenicity. Review status: criteria provided, conflicting classifications (1 of 4 stars). 2 submissions from 2 submitters: Uncertain significance (1); Likely benign (1). Last evaluated 2026-01-15.

Conditions:
Infantile-onset ascending hereditary spastic paralysis (IAHSP). Also called: Autosomal Recessive Juvenile Amyotrophic Lateral Sclerosis; Infantile-Onset Ascending Hereditary Spastic Paralysis (IAHSP). Identifiers: Orphanet 293168, MedGen C2931441, MONDO:0011797, OMIM 607225. Disease mechanism: loss of function.

Allele frequency attached by ClinVar (database versions not stated): gnomAD exomes 0.00002 and 0.00010; gnomAD 0.00003; TOPMed 0.00006; ExAC 0.00015.
gnomAD v4.1: 32 of 1,613,944 alleles (0.002%); highest among the groups gnomAD compares: Admixed American, 0.05%; 1 homozygote.

Submissions (2):

Labcorp Genetics (formerly Invitae), Labcorp
Classification: Likely benign for Infantile-onset ascending hereditary spastic paralysis. Last evaluated: 2026-01-15. Review status: criteria provided, single submitter. Criteria: Invitae Variant Classification Sherloc (09022015). Collection method: clinical testing. Allele origin: germline.

Mayo Clinic Laboratories, Mayo Clinic
Classification: Uncertain significance. Last evaluated: 2025-08-15. Review status: criteria provided, single submitter. Criteria: ACMG Guidelines, 2015. Collection method: clinical testing. Allele origin: germline. Observed: 2 variant alleles.
Comment: BP4_moderate